The following is an entry in ClinVar:

ClinVar aggregate classification (germline): Uncertain significance (1 of 4 stars; one submission).

Conditions:
Common variable immunodeficiency (CVID). Also called: Common variable hypogamma-globulinemia; Common variable agammaglobulinemia. Identifiers: Orphanet 1572, MedGen C0009447, MONDO:0015517.

Allele frequency attached by ClinVar (database versions not stated): TOPMed 0.00001; gnomAD exomes 0.00002 and 0.00006; gnomAD 0.00003; 1000 Genomes Project 30x 0.00016.

Submission:

Labcorp Genetics (formerly Invitae), Labcorp
Classification: Uncertain significance for Common variable immunodeficiency. Last evaluated: 2025-05-05. Review status: criteria provided, single submitter. Criteria: Invitae Variant Classification Sherloc (09022015). Collection method: clinical testing. Allele origin: germline.
Comment: This sequence change replaces alanine, which is neutral and non-polar, with valine, which is neutral and non-polar, at codon 48 of the TNFSF12 protein (p.Ala48Val). The frequency data for this variant in the population databases is considered unreliable, as metrics indicate poor data quality at this position in the gnomAD database. This variant has not been reported in the literature in individuals affected with TNFSF12-related conditions. ClinVar contains an entry for this variant (Variation ID: 1515042). Experimental studies and prediction algorithms are not available or were not evaluated, and the functional significance of this variant is currently unknown. In summary, the available evidence is currently insufficient to determine the role of this variant in disease. Therefore, it has been classified as a Variant of Uncertain Significance.

NM_003809.3(TNFSF12):c.143C>T (p.Ala48Val)

Genes: TNFSF12-TNFSF13 (TNFSF12-TNFSF13 readthrough; plus strand), TNFSF12 (TNF superfamily member 12; plus strand). Cytogenetic location: 17p13.1.
Variant type: single nucleotide variant.
Coding change: c.143C>T on transcript NM_003809.3 (MANE Select); coding-DNA position 143, C replaced by T.
Protein change: p.Ala48Val; replaces alanine 48 with valine.
Molecular consequence: missense variant. On other transcripts: non-coding transcript variant (1).
Genome position (GRCh38, 1-based): chr17:7,549,296, C>T. VCF-style: chr17-7549296-C-T. GRCh37 (hg19) VCF-style: chr17-7452613-C-T.
Other names: c.143C>T, p.Ala48Val (NM_172089.4); short protein forms A48V.
Identifiers: ClinVar variation 1515042 (VCV001515042.6), dbSNP rs1411564411, ClinGen allele CA397854416.